The following is an entry in ClinVar:

ClinVar aggregate classification (germline): Likely pathogenic (1 of 4 stars; one submission).

Conditions:
Microcephaly 22, primary, autosomal recessive. Identifiers: MedGen C4693834, MONDO:0054805, OMIM 617984.

gnomAD v4.1: 8 of 1,613,938 alleles (0.0005%); highest among the groups gnomAD compares: South Asian, 0.0033%; no homozygotes.

Submission:

First Genomix Gene Laboratory, Genetic Diagnostics Department
Classification: Likely pathogenic for Microcephaly 22, primary, autosomal recessive. Last evaluated: 2025-09-09. Review status: criteria provided, single submitter. Criteria: ACMG Guidelines, 2015. Collection method: clinical testing. Allele origin: germline. Inheritance: Autosomal recessive inheritance. Affected: no. Observed: 1 variant allele.

NM_015261.3(NCAPD3):c.3703C>T (p.Arg1235Ter)

Gene: NCAPD3 (non-SMC condensin II complex subunit D3; minus strand). Cytogenetic location: 11q25.
Variant type: single nucleotide variant.
Coding change: c.3703C>T on transcript NM_015261.3 (MANE Select); coding-DNA position 3703, C replaced by T.
Protein change: p.Arg1235Ter; replaces arginine 1235 with a stop codon.
Molecular consequence: nonsense.
Genome position (GRCh38, 1-based): chr11:134,160,056, G>A on the plus strand (C>T on the coding strand, the complement: NCAPD3 is on the minus strand). VCF-style: chr11-134160056-G-A. GRCh37 (hg19) VCF-style: chr11-134029951-G-A.
Other names: c.3703C>T, p.Arg1235Ter (NM_001372065.1, NM_001372068.1); c.3289C>T, p.Arg1097Ter (NM_001372069.1, NM_001372070.1); short protein forms R1097*, R1235*.
Identifiers: ClinVar variation 4850300 (VCV004850300.1).